The following is an entry in ClinVar:

ClinVar aggregate classification (germline): Pathogenic (1 of 4 stars; one submission).

Conditions:
Hereditary cancer-predisposing syndrome. Also called: Tumor predisposition; Hereditary Cancer Syndrome; Hereditary neoplastic syndrome; Neoplastic Syndromes, Hereditary. Identifiers: Orphanet 140162, MedGen C0027672, MeSH D009386, MONDO:0015356.

Submission:

Ambry Genetics
Classification: Pathogenic for Hereditary cancer-predisposing syndrome. Last evaluated: 2024-06-04. Review status: criteria provided, single submitter. Criteria: Ambry Variant Classification Scheme 2023. Collection method: clinical testing. Allele origin: germline.
Comment: The c.478dupC pathogenic mutation, located in coding exon 5 of the NF2 gene, results from a duplication of C at nucleotide position 478, causing a translational frameshift with a predicted alternate stop codon (p.R160Pfs*43). This variant has been observed in at least one individual with a personal and/or family history that is consistent with NF2-related schwannomatosis (Ambry internal data). This variant is considered to be rare based on population cohorts in the Genome Aggregation Database (gnomAD). This alteration is expected to result in loss of function by premature protein truncation or nonsense-mediated mRNA decay. As such, this alteration is interpreted as a disease-causing mutation.

NM_000268.4(NF2):c.478dup (p.Arg160fs)

Gene: NF2 (NF2, moesin-ezrin-radixin like (MERLIN) tumor suppressor; plus strand). Cytogenetic location: 22q12.2.
Variant type: Duplication.
Coding change: c.478dup on transcript NM_000268.4 (MANE Select); coding-DNA position 478, one base duplicated (C; older notation c.478dupC).
Protein change: p.Arg160fs; shifts the reading frame from arginine 160.
Molecular consequence: frameshift variant. On other transcripts: 5 prime UTR variant (1), intron variant (1).
Genome position (GRCh38, 1-based): chr22:29,654,687, C duplicated. VCF-style (leftmost placement, unchanged base first): chr22-29654686-G-GC. GRCh37 (hg19) VCF-style: chr22-30050675-G-GC.
Other names: c.364dup, p.Arg122fs (NM_001407053.1, NM_001407056.1); c.355dup, p.Arg119fs (NM_001407054.1, NM_001407058.1, NM_001407062.1 and 1 more transcripts); c.352dup, p.Arg118fs (NM_001407055.1, NM_181828.3); c.478dup, p.Arg160fs (NM_001407057.1, NM_001407059.1, NM_001407060.1 and 4 more transcripts); c.229dup, p.Arg77fs (NM_001407063.1, NM_001407064.1, NM_181830.3 and 1 more transcripts); c.-163dup (NM_001407065.1); c.247dup, p.Arg83fs (NM_001407067.1); c.447+12402dup (NM_181833.3); and 1 more; short protein forms R160fs, R77fs, R119fs, R122fs, R118fs, R83fs.
Identifiers: ClinVar variation 3299439 (VCV003299439.1).